The following is an entry in ClinVar:

NM_173354.5(SIK1):c.1151T>A (p.Phe384Tyr)

Gene: SIK1 (salt inducible kinase 1; minus strand). Cytogenetic location: 21q22.3.
Variant type: single nucleotide variant.
Coding change: c.1151T>A on transcript NM_173354.5 (MANE Select); coding-DNA position 1151, T replaced by A.
Protein change: p.Phe384Tyr; replaces phenylalanine 384 with tyrosine.
Molecular consequence: missense variant.
Genome position (GRCh38, 1-based): chr21:43,419,447, A>T on the plus strand (T>A on the coding strand, the complement: SIK1 is on the minus strand). VCF-style: chr21-43419447-A-T. GRCh37 (hg19) VCF-style: chr21-44839327-A-T.
Other names: short protein forms F384Y.
Identifiers: ClinVar variation 2089922 (VCV002089922.4), dbSNP rs2516966172, ClinGen allele CA410608620.

ClinVar aggregate classification (germline): Uncertain significance (1 of 4 stars; one submission).

Conditions:
Developmental and epileptic encephalopathy, 30 (DEE30). Also called: Epileptic encephalopathy, early infantile, 30. Identifiers: MedGen C4225360, MONDO:0014595, OMIM 616341.

Submission:

Labcorp Genetics (formerly Invitae), Labcorp
Classification: Uncertain significance for Developmental and epileptic encephalopathy, 30. Last evaluated: 2022-05-24. Review status: criteria provided, single submitter. Criteria: Invitae Variant Classification Sherloc (09022015). Collection method: clinical testing. Allele origin: germline.
Comment: In summary, the available evidence is currently insufficient to determine the role of this variant in disease. Therefore, it has been classified as a Variant of Uncertain Significance. Algorithms developed to predict the effect of sequence changes on RNA splicing suggest that this variant may create or strengthen a splice site. Advanced modeling of protein sequence and biophysical properties (such as structural, functional, and spatial information, amino acid conservation, physicochemical variation, residue mobility, and thermodynamic stability) performed at Invitae indicates that this missense variant is not expected to disrupt SIK1 protein function. This variant has not been reported in the literature in individuals affected with SIK1-related conditions. This variant is not present in population databases (gnomAD no frequency). This sequence change replaces phenylalanine, which is neutral and non-polar, with tyrosine, which is neutral and polar, at codon 384 of the SIK1 protein (p.Phe384Tyr).